The following is an entry in ClinVar:

NM_002181.4(IHH):c.308T>G (p.Met103Arg)

Gene: IHH (Indian hedgehog signaling molecule; minus strand). Cytogenetic location: 2q35.
Variant type: single nucleotide variant.
Coding change: c.308T>G on transcript NM_002181.4 (MANE Select); coding-DNA position 308, T replaced by G.
Protein change: p.Met103Arg; replaces methionine 103 with arginine.
Molecular consequence: missense variant.
Genome position (GRCh38, 1-based): chr2:219,060,160, A>C on the plus strand (T>G on the coding strand, the complement: IHH is on the minus strand). VCF-style: chr2-219060160-A-C. GRCh37 (hg19) VCF-style: chr2-219924882-A-C.
Other names: c.308T>G (NM_002181.3); short protein forms M103R.
Identifiers: ClinVar variation 1001837 (VCV001001837.10), dbSNP rs1948867946, ClinGen allele CA350636625.

ClinVar aggregate classification (germline): Uncertain significance. Review status: criteria provided, multiple submitters, no conflicts (2 of 4 stars). 3 submissions from 3 submitters: Uncertain significance (3). Last evaluated 2025-04-03.

Submissions (3):

GeneDx
Classification: Uncertain significance. Last evaluated: 2025-04-03. Review status: criteria provided, single submitter. Criteria: GeneDx Variant Classification Process June 2021. Collection method: clinical testing. Allele origin: germline. Affected: yes.
Comment: Not observed at significant frequency in large population cohorts (gnomAD); In silico analysis supports that this missense variant has a deleterious effect on protein structure/function; Has not been previously published as pathogenic or benign to our knowledge

Labcorp Genetics (formerly Invitae), Labcorp
Classification: Uncertain significance. Last evaluated: 2022-10-17. Review status: criteria provided, single submitter. Criteria: Invitae Variant Classification Sherloc (09022015). Collection method: clinical testing. Allele origin: germline.
Comment: This sequence change replaces methionine, which is neutral and non-polar, with arginine, which is basic and polar, at codon 103 of the IHH protein (p.Met103Arg). In summary, the available evidence is currently insufficient to determine the role of this variant in disease. Therefore, it has been classified as a Variant of Uncertain Significance. Advanced modeling of protein sequence and biophysical properties (such as structural, functional, and spatial information, amino acid conservation, physicochemical variation, residue mobility, and thermodynamic stability) performed at Invitae indicates that this missense variant is expected to disrupt IHH protein function. ClinVar contains an entry for this variant (Variation ID: 1001837). This variant has not been reported in the literature in individuals affected with IHH-related conditions. This variant is not present in population databases (gnomAD no frequency).

Blueprint Genetics
Classification: Uncertain significance. Last evaluated: 2021-07-16. Review status: criteria provided, single submitter. Criteria: ACMG Guidelines, 2015. Collection method: clinical testing. Allele origin: germline.